The following is an entry in ClinVar:

ClinVar aggregate classification (germline): Uncertain significance (1 of 4 stars; one submission).

Conditions:
Epilepsy, familial adult myoclonic, 5 (EPEO5). Also called: CORTICAL MYOCLONIC TREMOR WITH EPILEPSY, FAMILIAL, 5. Identifiers: Orphanet 86814, MedGen C3809374, MONDO:0014167, OMIM 615400.

Allele frequency attached by ClinVar (database versions not stated): gnomAD exomes below 0.00001; TOPMed below 0.00001.
gnomAD v4.1: 5 of 1,614,186 alleles (0.00031%); highest among the groups gnomAD compares: South Asian, 0.0011%; no homozygotes.

Submission:

Labcorp Genetics (formerly Invitae), Labcorp
Classification: Uncertain significance for Epilepsy, familial adult myoclonic, 5. Last evaluated: 2021-01-27. Review status: criteria provided, single submitter. Criteria: Invitae Variant Classification Sherloc (09022015). Collection method: clinical testing. Allele origin: germline.
Comment: In summary, the available evidence is currently insufficient to determine the role of this variant in disease. Therefore, it has been classified as a Variant of Uncertain Significance. Advanced modeling of protein sequence and biophysical properties (such as structural, functional, and spatial information, amino acid conservation, physicochemical variation, residue mobility, and thermodynamic stability) performed at Invitae indicates that this missense variant is not expected to disrupt CNTN2 protein function. This variant has not been reported in the literature in individuals with CNTN2-related conditions. This variant is not present in population databases (ExAC no frequency). This sequence change replaces valine with methionine at codon 185 of the CNTN2 protein (p.Val185Met). The valine residue is highly conserved and there is a small physicochemical difference between valine and methionine.

NM_005076.5(CNTN2):c.553G>A (p.Val185Met)

Gene: CNTN2 (contactin 2; plus strand). Cytogenetic location: 1q32.1.
Variant type: single nucleotide variant.
Coding change: c.553G>A on transcript NM_005076.5 (MANE Select); coding-DNA position 553, G replaced by A.
Protein change: p.Val185Met; replaces valine 185 with methionine.
Molecular consequence: missense variant. On other transcripts: non-coding transcript variant (1).
Genome position (GRCh38, 1-based): chr1:205,059,149, G>A. VCF-style: chr1-205059149-G-A. GRCh37 (hg19) VCF-style: chr1-205028277-G-A.
Other names: c.553G>A, p.Val185Met (NM_001346083.2); short protein forms V185M.
Identifiers: ClinVar variation 1431802 (VCV001431802.6), dbSNP rs866000513, ClinGen allele CA36429132.